The following is an entry in ClinVar:

NM_002734.5(PRKAR1A):c.780C>G (p.Asp260Glu)

Gene: PRKAR1A (protein kinase cAMP-dependent type I regulatory subunit alpha; plus strand). Cytogenetic location: 17q24.2.
Variant type: single nucleotide variant.
Coding change: c.780C>G on transcript NM_002734.5 (MANE Select); coding-DNA position 780, C replaced by G.
Protein change: p.Asp260Glu; replaces aspartic acid 260 with glutamic acid.
Molecular consequence: missense variant.
Genome position (GRCh38, 1-based): chr17:68,528,880, C>G. VCF-style: chr17-68528880-C-G. GRCh37 (hg19) VCF-style: chr17-66525021-C-G.
Other names: c.780C>G, p.Asp260Glu (NM_001276289.2, NM_001276290.1, NM_001278433.2 and 4 more transcripts); c.780C>G (NM_002734.3); short protein forms D260E.
Identifiers: ClinVar variation 2790647 (VCV002790647.4), dbSNP rs2509437241, ClinGen allele CA400753801.

ClinVar aggregate classification (germline): Uncertain significance. Review status: criteria provided, multiple submitters, no conflicts (2 of 4 stars). 2 submissions from 2 submitters: Uncertain significance (2). Last evaluated 2025-02-05.

Conditions:
Hereditary cancer-predisposing syndrome. Also called: Hereditary neoplastic syndrome; Neoplastic Syndromes, Hereditary; Tumor predisposition; Hereditary Cancer Syndrome. Identifiers: Orphanet 140162, MedGen C0027672, MeSH D009386, MONDO:0015356.
Carney complex, type 1 (CNC1). Also called: CARNEY COMPLEX, TYPE I; CARNEY MYXOMA-ENDOCRINE COMPLEX. Identifiers: Orphanet 1359, MedGen C2607929, MONDO:0008057, OMIM 160980.

Submissions (2):

Ambry Genetics
Classification: Uncertain significance for Hereditary cancer-predisposing syndrome. Last evaluated: 2025-02-05. Review status: criteria provided, single submitter. Criteria: Ambry Variant Classification Scheme 2023. Collection method: clinical testing. Allele origin: germline.
Comment: The p.D260E variant (also known as c.780C>G), located in coding exon 8 of the PRKAR1A gene, results from a C to G substitution at nucleotide position 780. The aspartic acid at codon 260 is replaced by glutamic acid, an amino acid with highly similar properties. This amino acid position is conserved. In addition, the in silico prediction for this alteration is inconclusive. Based on the available evidence, the clinical significance of this variant remains unclear.

Labcorp Genetics (formerly Invitae), Labcorp
Classification: Uncertain significance for Carney complex, type 1. Last evaluated: 2023-04-26. Review status: criteria provided, single submitter. Criteria: Invitae Variant Classification Sherloc (09022015). Collection method: clinical testing. Allele origin: germline.
Comment: In summary, the available evidence is currently insufficient to determine the role of this variant in disease. Therefore, it has been classified as a Variant of Uncertain Significance. Advanced modeling of protein sequence and biophysical properties (such as structural, functional, and spatial information, amino acid conservation, physicochemical variation, residue mobility, and thermodynamic stability) performed at Invitae indicates that this missense variant is not expected to disrupt PRKAR1A protein function. This variant has not been reported in the literature in individuals affected with PRKAR1A-related conditions. This variant is not present in population databases (gnomAD no frequency). This sequence change replaces aspartic acid, which is acidic and polar, with glutamic acid, which is acidic and polar, at codon 260 of the PRKAR1A protein (p.Asp260Glu).